The following is an entry in ClinVar:

ClinVar aggregate classification (germline): Likely benign (1 of 4 stars; one submission).

Allele frequency attached by ClinVar (database versions not stated): ExAC 0.00353; TOPMed 0.00372; 1000 Genomes Project 30x 0.00406; gnomAD exomes 0.00411; 1000 Genomes Project 0.00439.

Submission:

CeGaT Center for Human Genetics Tuebingen
Classification: Likely benign. Last evaluated: 2023-02-01. Review status: criteria provided, single submitter. Criteria: CeGaT Center For Human Genetics Tuebingen Variant Classification Criteria Version 2. Collection method: clinical testing. Allele origin: germline. Affected: yes. Observed: 1 variant allele.
Comment: MUC19: BP4, BP7, BS2

NC_000012.12:g.40441144C>T

Gene: MUC19 (mucin 19, oligomeric (gene/pseudogene); plus strand). Cytogenetic location: 12q12.
Variant type: single nucleotide variant.
Genome position: GRCh38 VCF-style: chr12-40441144-C-T. GRCh37 (hg19) VCF-style: chr12-40834946-C-T.
Identifiers: ClinVar variation 2642861 (VCV002642861.24), dbSNP rs151020006, ClinGen allele CA6515445.
Genomic context (GRCh38, chr12:40,441,144, plus strand): 5'-GTGCTTTTGTCCAGAAGGAATGGTTCGAAATTCTAAAGGGATATGTGTCTTTCCTAATGA[C>T]TGTCCATGCTCTTTTGGTGGACGAGAATATGATGAAGGAAGTGTCACTTCTGTTGGCTGC-3'